The following is an entry in ClinVar:

ClinVar aggregate classification (germline): Uncertain significance (1 of 4 stars; one submission).

Submission:

Labcorp Genetics (formerly Invitae), Labcorp
Classification: Uncertain significance. Last evaluated: 2025-09-08. Review status: criteria provided, single submitter. Criteria: Invitae Variant Classification Sherloc (09022015). Collection method: clinical testing. Allele origin: germline.
Comment: This sequence change replaces isoleucine, which is neutral and non-polar, with methionine, which is neutral and non-polar, at codon 272 of the DGKZ protein (p.Ile272Met). This variant is present in population databases (no rsID available, gnomAD 0.006%). This variant has not been reported in the literature in individuals affected with DGKZ-related conditions. ClinVar contains an entry for this variant (Variation ID: 2767308). An algorithm developed to predict the effect of missense changes on protein structure and function (PolyPhen-2) suggests that this variant is likely to be disruptive. In summary, the available evidence is currently insufficient to determine the role of this variant in disease. Therefore, it has been classified as a Variant of Uncertain Significance.

NM_001199267.2(DGKZ):c.249C>G (p.Ile83Met)

Gene: DGKZ (diacylglycerol kinase zeta; plus strand). Cytogenetic location: 11p11.2.
Variant type: single nucleotide variant.
Coding change: c.249C>G on transcript NM_001199267.2 (MANE Select); coding-DNA position 249, C replaced by G.
Protein change: p.Ile83Met; replaces isoleucine 83 with methionine.
Molecular consequence: missense variant.
Genome position (GRCh38, 1-based): chr11:46,367,378, C>G. VCF-style: chr11-46367378-C-G. GRCh37 (hg19) VCF-style: chr11-46388928-C-G.
Other names: c.816C>G, p.Ile272Met (NM_001105540.2); c.249C>G, p.Ile83Met (NM_001199266.2, NM_001199268.2, NM_003646.4); c.300C>G, p.Ile100Met (NM_201532.3); c.264C>G, p.Ile88Met (NM_201533.3); short protein forms I88M, I100M, I272M, I83M.
Identifiers: ClinVar variation 2767308 (VCV002767308.3), dbSNP rs761454646, ClinGen allele CA380212956.
Genomic context (GRCh38, chr11:46,367,378, plus strand): 5'-GCACCTGGCCCCCCCTCCGCCCACCCCTGGGGCCCCGTGCAGCGAGTCAGAGCGGCAGAT[C>G]CGGAGTACAGTGGACTGGAGCGTGAGTGCCTGAACACCCCTGGGTCCCAGACCCTCTGGG-3'
Protein context (NP_001186196.1, residues 73-93): GAPCSESERQ[Ile83Met]RSTVDWSESA